The following is an entry in ClinVar:

NM_018979.4(WNK1):c.2139+3331G>A

Gene: WNK1 (WNK lysine deficient protein kinase 1; plus strand). Cytogenetic location: 12p13.33.
Variant type: single nucleotide variant.
Coding change: c.2139+3331G>A on transcript NM_018979.4 (MANE Select); 3331 bases into the intron after coding-DNA position 2139, G replaced by A.
Molecular consequence: intron variant.
Genome position (GRCh38, 1-based): chr12:865,601, G>A. VCF-style: chr12-865601-G-A. GRCh37 (hg19) VCF-style: chr12-974767-G-A.
Other names: c.2394+237G>A (NM_213655.5); c.2140-2265G>A (NM_001184985.2); c.2139+3331G>A (NM_014823.3).
Identifiers: ClinVar variation 678740 (VCV000678740.1), dbSNP rs66780864, ClinGen allele CA231496024.

ClinVar aggregate classification (germline): Likely benign (1 of 4 stars; one submission).

Allele frequency attached by ClinVar (database versions not stated): 1000 Genomes Project 0.00479; 1000 Genomes Project 30x 0.00593; gnomAD 0.00595 and 0.00636; TOPMed 0.00717.
gnomAD v4.1: 901 of 152,294 alleles (0.59%); highest among the groups gnomAD compares: African/African-American, 1.9%; 12 homozygotes.

Submission:

GeneDx
Classification: Likely benign. Last evaluated: 2018-06-16. Review status: criteria provided, single submitter. Criteria: GeneDx Variant Classification (06012015). Collection method: clinical testing. Allele origin: germline. Affected: yes.
Comment: This variant is considered likely benign or benign based on one or more of the following criteria: it is a conservative change, it occurs at a poorly conserved position in the protein, it is predicted to be benign by multiple in silico algorithms, and/or has population frequency not consistent with disease.